The following is an entry in ClinVar:

ClinVar aggregate classification (germline): Uncertain significance (1 of 4 stars; one submission).

Submission:

GeneDx
Classification: Uncertain significance. Last evaluated: 2023-05-16. Review status: criteria provided, single submitter. Criteria: GeneDx Variant Classification Process June 2021. Collection method: clinical testing. Allele origin: germline. Affected: yes.
Comment: Not observed at significant frequency in large population cohorts (gnomAD); In-frame deletion of one amino acid in a non-repeat region; In silico analysis supports a deleterious effect on protein structure/function; Has not been previously published as pathogenic or benign to our knowledge; In silico analysis is inconclusive as to whether the variant alters gene splicing. In the absence of RNA/functional studies, the actual effect of this sequence change is unknown.

NM_016628.5(WAC):c.1594_1596del (p.Ser532del)

Gene: WAC (WW domain containing adaptor with coiled-coil; plus strand). Cytogenetic location: 10p12.1.
Variant type: Deletion.
Coding change: c.1594_1596del on transcript NM_016628.5 (MANE Select); coding-DNA positions 1594 to 1596, 3 bases deleted (TCT; older notation c.1594_1596delTCT).
Protein change: p.Ser532del; deletes serine 532.
Molecular consequence: inframe deletion.
Genome position (GRCh38, 1-based): chr10:28,616,210-28,616,212, TCT deleted; deleting any 3 consecutive bases within chr10:28,616,208-28,616,212 gives the same sequence; the c. name uses the placement nearest the transcript's 3' end. VCF-style (leftmost placement, unchanged base first): chr10-28616207-ACTT-A. GRCh37 (hg19) VCF-style: chr10-28905136-ACTT-A.
Other names: c.1459_1461del, p.Ser487del (NM_100264.3); c.1285_1287del, p.Ser429del (NM_100486.4); short protein forms S429del, S487del, S532del.
Identifiers: ClinVar variation 3343449 (VCV003343449.1).